The following is an entry in ClinVar:

NM_005477.3(HCN4):c.358G>A (p.Gly120Arg)

Gene: HCN4 (hyperpolarization activated cyclic nucleotide gated potassium channel 4; minus strand). Cytogenetic location: 15q24.1.
Variant type: single nucleotide variant.
Coding change: c.358G>A on transcript NM_005477.3 (MANE Select); coding-DNA position 358, G replaced by A.
Protein change: p.Gly120Arg; replaces glycine 120 with arginine.
Molecular consequence: missense variant.
Genome position (GRCh38, 1-based): chr15:73,367,913, C>T on the plus strand (G>A on the coding strand, the complement: HCN4 is on the minus strand). VCF-style: chr15-73367913-C-T. GRCh37 (hg19) VCF-style: chr15-73660254-C-T.
Other names: c.358G>A (NM_005477.2); short protein forms G120R.
Identifiers: ClinVar variation 1439276 (VCV001439276.11), dbSNP rs766202352, ClinGen allele CA7649480.

ClinVar aggregate classification (germline): Uncertain significance. Review status: criteria provided, multiple submitters, no conflicts (2 of 4 stars). 3 submissions from 3 submitters: Uncertain significance (3). Last evaluated 2025-12-08.

Conditions:
Cardiovascular phenotype. Identifiers: MedGen CN230736.
Brugada syndrome 8 (BRGDA8). Identifiers: Orphanet 130, MedGen C2751083, MONDO:0013148, OMIM 613123.
Epilepsy, idiopathic generalized, susceptibility to, 18. Identifiers: MedGen C5561983, MONDO:0030434, OMIM 619521.
Sick sinus syndrome 2, autosomal dominant (SSS2). Also called: ATRIAL FIBRILLATION WITH BRADYARRHYTHMIA; SICK SINUS SYNDROME 2; SICK SINUS SYNDROME 2 WITH OR WITHOUT CARDIAC NONCOMPACTION AND/OR ASCENDING AORTA DILATION; SINUS BRADYCARDIA SYNDROME, FAMILIAL, AUTOSOMAL DOMINANT; SINUS NODE DISEASE, FAMILIAL, AUTOSOMAL DOMINANT. Identifiers: Orphanet 166282, MedGen C1834144, MONDO:0008102, OMIM 163800.

Allele frequency attached by ClinVar (database versions not stated): TOPMed 0.00001; ExAC 0.00005.
gnomAD v4.1: 1 of 1,384,004 alleles (0.000072%); highest among the groups gnomAD compares: Non-Finnish European, 0.000093%; no homozygotes.

Submissions (3):

Labcorp Genetics (formerly Invitae), Labcorp
Classification: Uncertain significance for Brugada syndrome 8. Last evaluated: 2025-12-08. Review status: criteria provided, single submitter. Criteria: Invitae Variant Classification Sherloc (09022015). Collection method: clinical testing. Allele origin: germline.
Comment: This sequence change replaces glycine, which is neutral and non-polar, with arginine, which is basic and polar, at codon 120 of the HCN4 protein (p.Gly120Arg). This variant is not present in population databases (gnomAD no frequency). This variant has not been reported in the literature in individuals affected with HCN4-related conditions. ClinVar contains an entry for this variant (Variation ID: 1439276). Invitae Evidence Modeling of protein sequence and biophysical properties (such as structural, functional, and spatial information, amino acid conservation, physicochemical variation, residue mobility, and thermodynamic stability) indicates that this missense variant is not expected to disrupt HCN4 protein function with a negative predictive value of 95%. In summary, the available evidence is currently insufficient to determine the role of this variant in disease. Therefore, it has been classified as a Variant of Uncertain Significance.

Ambry Genetics
Classification: Uncertain significance for Cardiovascular phenotype. Last evaluated: 2025-10-18. Review status: criteria provided, single submitter. Criteria: Ambry Variant Classification Scheme 2023. Collection method: clinical testing. Allele origin: germline.

Fulgent Genetics
Classification: Uncertain significance for Sick sinus syndrome 2, autosomal dominant; Brugada syndrome 8; Epilepsy, idiopathic generalized, susceptibility to, 18. Last evaluated: 2021-11-28. Review status: criteria provided, single submitter. Criteria: ACMG Guidelines, 2015. Collection method: clinical testing. Allele origin: unknown.